The following is an entry in ClinVar:

NM_000093.5(COL5A1):c.1553C>T (p.Thr518Ile)

Gene: COL5A1 (collagen type V alpha 1 chain; plus strand). Cytogenetic location: 9q34.3.
Variant type: single nucleotide variant.
Coding change: c.1553C>T on transcript NM_000093.5 (MANE Select); coding-DNA position 1553, C replaced by T.
Protein change: p.Thr518Ile; replaces threonine 518 with isoleucine.
Molecular consequence: missense variant.
Genome position (GRCh38, 1-based): chr9:134,750,600, C>T. VCF-style: chr9-134750600-C-T. GRCh37 (hg19) VCF-style: chr9-137642446-C-T.
Other names: c.1553C>T, p.Thr518Ile (NM_001278074.1); short protein forms T518I.
Identifiers: ClinVar variation 2698378 (VCV002698378.3), dbSNP rs2490586789, ClinGen allele CA375443676.

ClinVar aggregate classification (germline): Uncertain significance (1 of 4 stars; one submission).

Conditions:
Ehlers-Danlos syndrome, classic type, 1 (EDSCL1). Also called: EHLERS-DANLOS SYNDROME, GRAVIS TYPE; EHLERS-DANLOS SYNDROME, SEVERE CLASSIC TYPE; Ehlers-Danlos syndrome, type 1; Ehlers-Danlos Syndrome, Classic Type, COL5A1-Related; EDS I. Identifiers: MedGen C0268335, MONDO:0019567, OMIM 130000.

Submission:

Labcorp Genetics (formerly Invitae), Labcorp
Classification: Uncertain significance for Ehlers-Danlos syndrome, classic type, 1. Last evaluated: 2023-11-24. Review status: criteria provided, single submitter. Criteria: Invitae Variant Classification Sherloc (09022015). Collection method: clinical testing. Allele origin: germline.
Comment: This sequence change replaces threonine, which is neutral and polar, with isoleucine, which is neutral and non-polar, at codon 518 of the COL5A1 protein (p.Thr518Ile). This variant is not present in population databases (gnomAD no frequency). This variant has not been reported in the literature in individuals affected with COL5A1-related conditions. Advanced modeling of protein sequence and biophysical properties (such as structural, functional, and spatial information, amino acid conservation, physicochemical variation, residue mobility, and thermodynamic stability) performed at Invitae indicates that this missense variant is not expected to disrupt COL5A1 protein function with a negative predictive value of 80%. In summary, the available evidence is currently insufficient to determine the role of this variant in disease. Therefore, it has been classified as a Variant of Uncertain Significance.